The following is an entry in ClinVar:

NM_014000.3(VCL):c.1422G>T (p.Gln474His)

Gene: VCL (vinculin; plus strand). Cytogenetic location: 10q22.2.
Variant type: single nucleotide variant.
Coding change: c.1422G>T on transcript NM_014000.3 (MANE Select); coding-DNA position 1422, G replaced by T.
Protein change: p.Gln474His; replaces glutamine 474 with histidine.
Molecular consequence: missense variant.
Genome position (GRCh38, 1-based): chr10:74,094,340, G>T. VCF-style: chr10-74094340-G-T. GRCh37 (hg19) VCF-style: chr10-75854098-G-T.
Other names: c.1422G>T, p.Gln474His (NM_003373.4); short protein forms Q474H.
Identifiers: ClinVar variation 3226286 (VCV003226286.3), dbSNP rs772617847, ClinGen allele CA209702781.

ClinVar aggregate classification (germline): Uncertain significance. Review status: criteria provided, multiple submitters, no conflicts (2 of 4 stars). 2 submissions from 2 submitters: Uncertain significance (2). Last evaluated 2024-12-02.

Conditions:
Dilated cardiomyopathy 1W (CMD1W). Identifiers: Orphanet 154, MedGen C1969639, MONDO:0012667, OMIM 611407.
Cardiovascular phenotype. Identifiers: MedGen CN230736.

Submissions (2):

Labcorp Genetics (formerly Invitae), Labcorp
Classification: Uncertain significance for Dilated cardiomyopathy 1W. Last evaluated: 2024-12-02. Review status: criteria provided, single submitter. Criteria: Invitae Variant Classification Sherloc (09022015). Collection method: clinical testing. Allele origin: germline.
Comment: This sequence change replaces glutamine, which is neutral and polar, with histidine, which is basic and polar, at codon 474 of the VCL protein (p.Gln474His). This variant is not present in population databases (gnomAD no frequency). This variant has not been reported in the literature in individuals affected with VCL-related conditions. ClinVar contains an entry for this variant (Variation ID: 3226286). An algorithm developed to predict the effect of missense changes on protein structure and function (PolyPhen-2) suggests that this variant is likely to be disruptive. In summary, the available evidence is currently insufficient to determine the role of this variant in disease. Therefore, it has been classified as a Variant of Uncertain Significance.

Ambry Genetics
Classification: Uncertain significance for Cardiovascular phenotype. Last evaluated: 2023-12-12. Review status: criteria provided, single submitter. Criteria: Ambry Variant Classification Scheme 2023. Collection method: clinical testing. Allele origin: germline.
Comment: The p.Q474H variant (also known as c.1422G>T), located in coding exon 11 of the VCL gene, results from a G to T substitution at nucleotide position 1422. The glutamine at codon 474 is replaced by histidine, an amino acid with highly similar properties. This amino acid position is conserved. In addition, the in silico prediction for this alteration is inconclusive. Since supporting evidence is limited at this time, the clinical significance of this alteration remains unclear.